The following is an entry in ClinVar:

NM_000051.4(ATM):c.2410C>T (p.Leu804=)

Gene: ATM (ATM serine/threonine kinase; plus strand). Cytogenetic location: 11q22.3.
Variant type: single nucleotide variant.
Coding change: c.2410C>T on transcript NM_000051.4 (MANE Select); coding-DNA position 2410, C replaced by T.
Protein change: p.Leu804=; no amino-acid change (leucine 804 retained).
Molecular consequence: synonymous variant.
Genome position (GRCh38, 1-based): chr11:108,259,019, C>T. VCF-style: chr11-108259019-C-T. GRCh37 (hg19) VCF-style: chr11-108129746-C-T.
Other names: c.2410C>T, p.Leu804= (NM_001351834.2).
Identifiers: ClinVar variation 796953 (VCV000796953.10), dbSNP rs1591551341, ClinGen allele CA476672867.

ClinVar aggregate classification (germline): Benign/Likely benign. Review status: criteria provided, multiple submitters, no conflicts (2 of 4 stars). 3 submissions from 3 submitters: Benign (1); Likely benign (2). Last evaluated 2026-08-16.

Conditions:
Ataxia-telangiectasia syndrome (AT). Also called: Ataxia-telangiectasia, complementation group D; AT, COMPLEMENTATION GROUP C; ATAXIA-TELANGIECTASIA, COMPLEMENTATION GROUP A; ATAXIA-TELANGIECTASIA, FRESNO VARIANT; Ataxia-telangiectasia; LOUIS-BAR SYNDROME. Identifiers: Orphanet 100, MedGen C0004135, MONDO:0008840, OMIM 208900.
Hereditary cancer-predisposing syndrome. Also called: Tumor predisposition; Hereditary Cancer Syndrome; Neoplastic Syndromes, Hereditary; Hereditary neoplastic syndrome. Identifiers: Orphanet 140162, MedGen C0027672, MeSH D009386, MONDO:0015356.
Familial cancer of breast. Also called: BREAST CANCER, FAMILIAL; Hereditary breast cancer; hereditary breast carcinoma. Identifiers: Orphanet 227535, MedGen C0346153, MONDO:0016419, OMIM 114480. Disease mechanism: loss of function.

Submissions (3):

Ambry Genetics
Classification: Likely benign for Hereditary cancer-predisposing syndrome. Last evaluated: 2026-08-16. Review status: criteria provided, single submitter. Criteria: Ambry Variant Classification Scheme 2023. Collection method: clinical testing. Allele origin: germline.

Labcorp Genetics (formerly Invitae), Labcorp
Classification: Likely benign for Ataxia-telangiectasia syndrome. Last evaluated: 2025-01-17. Review status: criteria provided, single submitter. Criteria: Invitae Variant Classification Sherloc (09022015). Collection method: clinical testing. Allele origin: germline.

Myriad Genetics, Inc.
Classification: Benign for Familial cancer of breast. Last evaluated: 2024-05-08. Review status: criteria provided, single submitter. Criteria: Myriad Autosomal Dominant, Autosomal Recessive and X-Linked Classification Criteria (2023). Collection method: clinical testing. Allele origin: unknown.
Comment: This variant is considered benign. This variant is a silent/synonymous amino acid change and it is not expected to impact splicing.